The following is an entry in ClinVar:

ClinVar aggregate classification (germline): Uncertain significance. Review status: criteria provided, multiple submitters, no conflicts (2 of 4 stars). 3 submissions from 3 submitters: Uncertain significance (3). Last evaluated 2025-03-18.

Conditions:
Hereditary cancer-predisposing syndrome. Also called: Hereditary neoplastic syndrome; Tumor predisposition; Hereditary Cancer Syndrome; Neoplastic Syndromes, Hereditary. Identifiers: Orphanet 140162, MedGen C0027672, MeSH D009386, MONDO:0015356.
Tuberous sclerosis 1 (TSC1). Identifiers: Orphanet 805, MedGen C1854465, MONDO:0008612, OMIM 191100.

Submissions (3):

Ambry Genetics
Classification: Uncertain significance for Hereditary cancer-predisposing syndrome. Last evaluated: 2025-03-18. Review status: criteria provided, single submitter. Criteria: Ambry Variant Classification Scheme 2023. Collection method: clinical testing. Allele origin: germline.
Comment: The c.2861_2862delTAinsAC variant (also known as p.I954N), located in coding exon 20 of the TSC1 gene, results from an in-frame deletion of TA and insertion of AC at nucleotide positions 2861 to 2862. This results in the substitution of the isoleucine residue for an asparagine residue at codon 954, an amino acid with dissimilar properties. This amino acid position is well conserved in available vertebrate species. Based on the available evidence, the clinical significance of this variant remains unclear.

Labcorp Genetics (formerly Invitae), Labcorp
Classification: Uncertain significance for Tuberous sclerosis 1. Last evaluated: 2023-11-27. Review status: criteria provided, single submitter. Criteria: Invitae Variant Classification Sherloc (09022015). Collection method: clinical testing. Allele origin: germline.
Comment: This sequence change replaces isoleucine, which is neutral and non-polar, with asparagine, which is neutral and polar, at codon 954 of the TSC1 protein (p.Ile954Asn). Information on the frequency of this variant in the gnomAD database is not available, as this variant may be reported differently in the database. This variant has not been reported in the literature in individuals affected with TSC1-related conditions. ClinVar contains an entry for this variant (Variation ID: 575585). An algorithm developed to predict the effect of missense changes on protein structure and function (PolyPhen-2) suggests that this variant is likely to be disruptive. In summary, the available evidence is currently insufficient to determine the role of this variant in disease. Therefore, it has been classified as a Variant of Uncertain Significance.

GeneDx
Classification: Uncertain significance. Last evaluated: 2023-07-26. Review status: criteria provided, single submitter. Criteria: GeneDx Variant Classification Process June 2021. Collection method: clinical testing. Allele origin: germline. Affected: yes.
Comment: Not observed at significant frequency in large population cohorts (gnomAD); In silico analysis supports a deleterious effect on protein structure/function; Has not been previously published as pathogenic or benign to our knowledge; This variant is associated with the following publications: (PMID: 18466115)

NM_000368.5(TSC1):c.2861_2862delinsAC (p.Ile954Asn)

Gene: TSC1 (TSC complex subunit 1; minus strand). Cytogenetic location: 9q34.13.
Variant type: Indel.
Coding change: c.2861_2862delinsAC on transcript NM_000368.5 (MANE Select); coding-DNA positions 2861 to 2862, TA replaced by AC.
Protein change: p.Ile954Asn; replaces isoleucine 954 with asparagine.
Molecular consequence: missense variant.
Genome position (GRCh38, 1-based): chr9:132,897,297-132,897,298, TA replaced by GT on the plus strand (TA replaced by AC on the coding strand, the reverse complement: TSC1 is on the minus strand). VCF-style: chr9-132897297-TA-GT. GRCh37 (hg19) VCF-style: chr9-135772684-TA-GT.
Other names: c.2861_2862delTAinsAC (NM_000368.4); c.2858_2859delinsAC, p.Ile953Asn (NM_001162426.2); c.2708_2709delinsAC, p.Ile903Asn (NM_001162427.2); c.2498_2499delinsAC, p.Ile833Asn (NM_001362177.2); c.2861_2862delinsAC (NM_000368.4); short protein forms I954N, I833N, I903N, I953N.
Identifiers: ClinVar variation 575585 (VCV000575585.9), dbSNP rs1564471610, ClinGen allele CA891843349.